The following is an entry in ClinVar:

ClinVar aggregate classification (germline): Uncertain significance (1 of 4 stars; one submission).

Conditions:
Renal cell carcinoma. Identifiers: Orphanet 217071, MedGen C0007134, MeSH D002292, MONDO:0005086, HP:0005584.

gnomAD v4.1: 4 of 1,614,092 alleles (0.00025%); highest among the groups gnomAD compares: Non-Finnish European, 0.00034%; no homozygotes.

Submission:

Labcorp Genetics (formerly Invitae), Labcorp
Classification: Uncertain significance for Renal cell carcinoma. Last evaluated: 2025-03-11. Review status: criteria provided, single submitter. Criteria: Invitae Variant Classification Sherloc (09022015). Collection method: clinical testing. Allele origin: germline.
Comment: This sequence change replaces threonine, which is neutral and polar, with alanine, which is neutral and non-polar, at codon 418 of the MET protein (p.Thr418Ala). This variant is not present in population databases (gnomAD no frequency). This variant has not been reported in the literature in individuals affected with MET-related conditions. Invitae Evidence Modeling of protein sequence and biophysical properties (such as structural, functional, and spatial information, amino acid conservation, physicochemical variation, residue mobility, and thermodynamic stability) indicates that this missense variant is not expected to disrupt MET protein function with a negative predictive value of 80%. In summary, the available evidence is currently insufficient to determine the role of this variant in disease. Therefore, it has been classified as a Variant of Uncertain Significance.

NM_000245.4(MET):c.1252A>G (p.Thr418Ala)

Gene: MET (MET proto-oncogene, receptor tyrosine kinase; plus strand). Cytogenetic location: 7q31.2.
Variant type: single nucleotide variant.
Coding change: c.1252A>G on transcript NM_000245.4 (MANE Select); coding-DNA position 1252, A replaced by G.
Protein change: p.Thr418Ala; replaces threonine 418 with alanine.
Molecular consequence: missense variant. On other transcripts: 5 prime UTR variant (1).
Genome position (GRCh38, 1-based): chr7:116,731,719, A>G. VCF-style: chr7-116731719-A-G. GRCh37 (hg19) VCF-style: chr7-116371773-A-G.
Other names: c.1252A>G, p.Thr418Ala (NM_001127500.3, NM_001324401.3); c.-39A>G (NM_001324402.2); short protein forms T418A.
Identifiers: ClinVar variation 4752653 (VCV004752653.1).